The following is an entry in ClinVar:

NM_198271.5(LMOD3):c.137C>T (p.Pro46Leu)

Genes: LMOD3 (leiomodin 3; minus strand), LOC126806710 (CDK7 strongly-dependent group 2 enhancer GRCh37_chr3:69170601-69171800; plus strand). Cytogenetic location: 3p14.1.
Variant type: single nucleotide variant.
Coding change: c.137C>T on transcript NM_198271.5 (MANE Select); coding-DNA position 137, C replaced by T.
Protein change: p.Pro46Leu; replaces proline 46 with leucine.
Molecular consequence: missense variant.
Genome position (GRCh38, 1-based): chr3:69,122,250, G>A on the plus strand (C>T on the coding strand, the complement: LMOD3 is on the minus strand). VCF-style: chr3-69122250-G-A. GRCh37 (hg19) VCF-style: chr3-69171401-G-A.
Other names: c.137C>T, p.Pro46Leu (NM_001304418.3); short protein forms P46L.
Identifiers: ClinVar variation 2057448 (VCV002057448.4), dbSNP rs1323475309, ClinGen allele CA353479375.

ClinVar aggregate classification (germline): Uncertain significance (1 of 4 stars; one submission).

Conditions:
Nemaline myopathy 10 (NEM10). Identifiers: MedGen C4015360, MONDO:0014513, OMIM 616165.

gnomAD v4.1: 1 of 1,613,598 alleles (0.000062%); no homozygotes.

Submission:

Labcorp Genetics (formerly Invitae), Labcorp
Classification: Uncertain significance for Nemaline myopathy 10. Last evaluated: 2022-06-06. Review status: criteria provided, single submitter. Criteria: Invitae Variant Classification Sherloc (09022015). Collection method: clinical testing. Allele origin: germline.
Comment: In summary, the available evidence is currently insufficient to determine the role of this variant in disease. Therefore, it has been classified as a Variant of Uncertain Significance. Algorithms developed to predict the effect of missense changes on protein structure and function are either unavailable or do not agree on the potential impact of this missense change (SIFT: "Deleterious"; PolyPhen-2: "Probably Damaging"; Align-GVGD: "Class C0"). This variant has not been reported in the literature in individuals affected with LMOD3-related conditions. This variant is present in population databases (no rsID available, gnomAD 0.004%). This sequence change replaces proline, which is neutral and non-polar, with leucine, which is neutral and non-polar, at codon 46 of the LMOD3 protein (p.Pro46Leu).